The following is an entry in ClinVar:

NM_000901.5(NR3C2):c.1067G>A (p.Arg356Gln)

Gene: NR3C2 (nuclear receptor subfamily 3 group C member 2; minus strand). Cytogenetic location: 4q31.23.
Variant type: single nucleotide variant.
Coding change: c.1067G>A on transcript NM_000901.5 (MANE Select); coding-DNA position 1067, G replaced by A.
Protein change: p.Arg356Gln; replaces arginine 356 with glutamine.
Molecular consequence: missense variant. On other transcripts: non-coding transcript variant (1).
Genome position (GRCh38, 1-based): chr4:148,435,794, C>T on the plus strand (G>A on the coding strand, the complement: NR3C2 is on the minus strand). VCF-style: chr4-148435794-C-T. GRCh37 (hg19) VCF-style: chr4-149356946-C-T.
Other names: c.1067G>A, p.Arg356Gln (NM_001354819.1, NM_001166104.2); short protein forms R356Q.
Identifiers: ClinVar variation 2054573 (VCV002054573.4), dbSNP rs1432072958, ClinGen allele CA358247567.

ClinVar aggregate classification (germline): Uncertain significance (1 of 4 stars; one submission).

Allele frequency attached by ClinVar (database versions not stated): gnomAD exomes below 0.00001; gnomAD 0.00001.
gnomAD v4.1: 2 of 1,613,972 alleles (0.00012%); highest among the groups gnomAD compares: Non-Finnish European, 0.00017%; no homozygotes.

Submission:

Labcorp Genetics (formerly Invitae), Labcorp
Classification: Uncertain significance. Last evaluated: 2022-05-17. Review status: criteria provided, single submitter. Criteria: Invitae Variant Classification Sherloc (09022015). Collection method: clinical testing. Allele origin: germline.
Comment: This sequence change replaces arginine, which is basic and polar, with glutamine, which is neutral and polar, at codon 356 of the NR3C2 protein (p.Arg356Gln). This variant is not present in population databases (gnomAD no frequency). This variant has not been reported in the literature in individuals affected with NR3C2-related conditions. Algorithms developed to predict the effect of missense changes on protein structure and function output the following: SIFT: "Tolerated"; PolyPhen-2: "Benign"; Align-GVGD: "Class C0". The glutamine amino acid residue is found in multiple mammalian species, which suggests that this missense change does not adversely affect protein function. In summary, the available evidence is currently insufficient to determine the role of this variant in disease. Therefore, it has been classified as a Variant of Uncertain Significance.